The following is an entry in ClinVar:

NM_001113378.2(FANCI):c.3865A>G (p.Ile1289Val)

Gene: FANCI (FA complementation group I; plus strand). Cytogenetic location: 15q26.1.
Variant type: single nucleotide variant.
Coding change: c.3865A>G on transcript NM_001113378.2 (MANE Select); coding-DNA position 3865, A replaced by G.
Protein change: p.Ile1289Val; replaces isoleucine 1289 with valine.
Molecular consequence: missense variant.
Genome position (GRCh38, 1-based): chr15:89,315,330, A>G. VCF-style: chr15-89315330-A-G. GRCh37 (hg19) VCF-style: chr15-89858561-A-G.
Other names: c.3586A>G, p.Ile1196Val (NM_001376910.1); c.3865A>G, p.Ile1289Val (NM_001376911.1); c.3685A>G, p.Ile1229Val (NM_018193.3); short protein forms I1289V, I1229V, I1196V.
Identifiers: ClinVar variation 456219 (VCV000456219.41), dbSNP rs114549781, ClinGen allele CA7723936.
Genomic context (GRCh38, chr15:89,315,330, plus strand): 5'-ATCTTGTCATAGGTGAACCTGATGCAGCACATGAAGCTCAGCACCTCACGAGACTTCAAG[A>G]TCAAAGGAAACATCCTAGACATGGTTCTTCGAGAGGATGGTGAAGATGAAAATGAAGAGG-3'
Protein context (NP_001106849.1, residues 1279-1299): MKLSTSRDFK[Ile1289Val]KGNILDMVLR

ClinVar aggregate classification (germline): Benign/Likely benign. Review status: criteria provided, multiple submitters, no conflicts (2 of 4 stars). 7 submissions from 7 submitters: Benign (3); Likely benign (3). 1 of the submissions does not count toward it. Last evaluated 2026-01-31.

Conditions:
Fanconi anemia complementation group I (FANCI). Also called: FANCI-Related Fanconi Anemia. Identifiers: Orphanet 84, MedGen C1836861, MONDO:0012186, OMIM 609053.
FANCI-related disorder. Also called: FANCI-related condition.
Fanconi anemia (FA). Also called: Fanconi's anemia. Identifiers: Orphanet 84, MedGen C0015625, MeSH D005199, MONDO:0019391.

Allele frequency attached by ClinVar (database versions not stated): gnomAD exomes 0.00016 and 0.00035; ExAC 0.00039; gnomAD 0.00142 and 0.00150; TOPMed 0.00157; ESP Exome Variant Server 0.00185; 1000 Genomes Project 30x 0.00187; 1000 Genomes Project 0.00200.
gnomAD v4.1: 456 of 1,614,050 alleles (0.028%); highest among the groups gnomAD compares: African/African-American, 0.45%; 1 homozygote.

Submissions (8):

Labcorp Genetics (formerly Invitae), Labcorp
Classification: Benign for Fanconi anemia. Last evaluated: 2026-01-31. Review status: criteria provided, single submitter. Criteria: Invitae Variant Classification Sherloc (09022015). Collection method: clinical testing. Allele origin: germline.

KCCC/NGS Laboratory, Kuwait Cancer Control Center
Classification: Benign for Fanconi anemia complementation group I. Last evaluated: 2025-02-01. Review status: criteria provided, single submitter. Criteria: ACMG Guidelines, 2015. Collection method: clinical testing. Allele origin: germline. Affected: no.

Blueprint Genetics
Classification: Likely benign. Last evaluated: 2024-07-05. Review status: criteria provided, single submitter. Criteria: ACMG Guidelines, 2015. Collection method: clinical testing. Allele origin: germline.

CeGaT Center for Human Genetics Tuebingen
Classification: Likely benign. Last evaluated: 2022-10-01. Review status: criteria provided, single submitter. Criteria: CeGaT Center For Human Genetics Tuebingen Variant Classification Criteria Version 2. Collection method: clinical testing. Allele origin: germline. Affected: yes. Observed: 1 variant allele.
Comment: FANCI: BS2

Sema4
Classification: Likely benign for Fanconi anemia. Last evaluated: 2021-06-30. Review status: criteria provided, single submitter. Criteria: Sema4 Curation Guidelines. Collection method: curation. Allele origin: germline.

Women's Health and Genetics/Laboratory Corporation of America, LabCorp
Classification: Benign. Last evaluated: 2019-12-12. Review status: criteria provided, single submitter. Criteria: LabCorp Variant Classification Summary - May 2015. Collection method: clinical testing. Allele origin: germline.
Comment: Variant summary: FANCI c.3865A>G (p.Ile1289Val) results in a conservative amino acid change located in the FANCI solenoid 4 domain (IPR029314) of the encoded protein sequence. Four of five in-silico tools predict a damaging effect of the variant on protein function. The variant allele was found at a frequency of 0.00035 in 251470 control chromosomes, predominantly at a frequency of 0.004 within the African or African-American subpopulation in the gnomAD database, including 1 homozygote. The observed variant frequency within African or African-American control individuals in the gnomAD database is approximately 14 fold of the estimated maximal expected allele frequency for a pathogenic variant in FANCI causing Fanconi anemia phenotype (0.00028), strongly suggesting that the variant is a benign polymorphism found primarily in populations of African or African-American origin. To our knowledge, no occurrence of c.3865A>G in individuals affected with Fanconi anemia, complementation group I and no experimental evidence demonstrating its impact on protein function have been reported. One ClinVar submitter (evaluation after 2014) cites the variant as benign. Based on the evidence outlined above, the variant was classified as benign.

PreventionGenetics, part of Exact Sciences
Classification: Likely benign for FANCI-related condition. Last evaluated: 2020-10-28. Review status: no assertion criteria provided. Collection method: clinical testing. Allele origin: germline. Not counted in ClinVar's aggregate classification.
Comment: This variant is classified as likely benign based on ACMG/AMP sequence variant interpretation guidelines (Richards et al. 2015 PMID: 25741868, with internal and published modifications).

Dr. Peter K. Rogan Lab, Western University
No classification provided (evidence only). Condition: Familial cancer of breast. Review status: no classification provided. Collection method: in vitro. Allele origin: not applicable. Functional consequence: skipped exon. Not counted in ClinVar's aggregate classification.